The following is an entry in ClinVar:

ClinVar aggregate classification (germline): Uncertain significance (1 of 4 stars; one submission).

Conditions:
Malignant hyperthermia, susceptibility to, 1 (MHS1). Also called: Anesthesia related hyperthermia; Malignant hyperpyrexia; Fulminating hyperpyrexia; Pharmacogenic myopathy; RYR1-Related Malignant Hyperthermia Susceptibility; Malignant hyperthermia suceptibility 1. Identifiers: Orphanet 423, MedGen C2930980, MONDO:0007783, OMIM 145600.

gnomAD v4.1: 1 of 1,610,034 alleles (0.000062%); highest among the groups gnomAD compares: Non-Finnish European, 0.000085%; no homozygotes.

Submission:

All of Us Research Program, National Institutes of Health
Classification: Uncertain significance for Malignant hyperthermia, susceptibility to, 1. Last evaluated: 2023-11-30. Review status: criteria provided, single submitter. Criteria: ACMG Guidelines, 2015. Collection method: clinical testing. Allele origin: germline. Inheritance: Autosomal dominant inheritance. Observed: 1 variant allele, 1 heterozygote.
Comment: This study involves interpretation of variants in research participants for the purpose of population health screening. Participant phenotype was not available at the time of variant classification. Additional details can be found in publication PMID: 35346344, PMCID: PMC8962531

NM_000540.3(RYR1):c.820C>G (p.Arg274Gly)

Gene: RYR1 (ryanodine receptor 1; plus strand). Cytogenetic location: 19q13.2.
Variant type: single nucleotide variant.
Coding change: c.820C>G on transcript NM_000540.3 (MANE Select); coding-DNA position 820, C replaced by G.
Protein change: p.Arg274Gly; replaces arginine 274 with glycine.
Molecular consequence: missense variant.
Genome position (GRCh38, 1-based): chr19:38,448,374, C>G. VCF-style: chr19-38448374-C-G. GRCh37 (hg19) VCF-style: chr19-38939014-C-G.
Other names: c.820C>G, p.Arg274Gly (NM_001042723.2); short protein forms R274G.
Identifiers: ClinVar variation 3073995 (VCV003073995.1), dbSNP rs770370125, ClinGen allele CA071633.